The following is an entry in ClinVar:

ClinVar aggregate classification (germline): Uncertain significance (1 of 4 stars; one submission).

Conditions:
Congenital contractural arachnodactyly (CCA). Also called: BEALS SYNDROME; Arthrogryposis, distal, type 9; Beals-Hecht syndrome. Identifiers: Orphanet 115, MedGen C0220668, MONDO:0007363, OMIM 121050.

Allele frequency attached by ClinVar (database versions not stated): gnomAD exomes below 0.00001.
gnomAD v4.1: 2 of 1,610,134 alleles (0.00012%); highest among the groups gnomAD compares: South Asian, 0.0022%; no homozygotes.

Submission:

Labcorp Genetics (formerly Invitae), Labcorp
Classification: Uncertain significance for Congenital contractural arachnodactyly. Last evaluated: 2022-08-23. Review status: criteria provided, single submitter. Criteria: Invitae Variant Classification Sherloc (09022015). Collection method: clinical testing. Allele origin: germline.
Comment: This variant is not present in population databases (gnomAD no frequency). This sequence change replaces glutamic acid, which is acidic and polar, with glutamine, which is neutral and polar, at codon 65 of the FBN2 protein (p.Glu65Gln). This variant has not been reported in the literature in individuals affected with FBN2-related conditions. ClinVar contains an entry for this variant (Variation ID: 568787). Advanced modeling of protein sequence and biophysical properties (such as structural, functional, and spatial information, amino acid conservation, physicochemical variation, residue mobility, and thermodynamic stability) performed at Invitae indicates that this missense variant is not expected to disrupt FBN2 protein function. In summary, the available evidence is currently insufficient to determine the role of this variant in disease. Therefore, it has been classified as a Variant of Uncertain Significance.

NM_001999.4(FBN2):c.193G>C (p.Glu65Gln)

Gene: FBN2 (fibrillin 2; minus strand). Cytogenetic location: 5q23.3.
Variant type: single nucleotide variant.
Coding change: c.193G>C on transcript NM_001999.4 (MANE Select); coding-DNA position 193, G replaced by C.
Protein change: p.Glu65Gln; replaces glutamic acid 65 with glutamine.
Molecular consequence: missense variant.
Genome position (GRCh38, 1-based): chr5:128,537,411, C>G on the plus strand (G>C on the coding strand, the complement: FBN2 is on the minus strand). VCF-style: chr5-128537411-C-G. GRCh37 (hg19) VCF-style: chr5-127873104-C-G.
Other names: short protein forms E65Q.
Identifiers: ClinVar variation 568787 (VCV000568787.9), dbSNP rs1561504900, ClinGen allele CA360762161.